The following is an entry in ClinVar:

ClinVar aggregate classification (germline): Conflicting classifications of pathogenicity. Review status: criteria provided, conflicting classifications (1 of 4 stars). 2 submissions from 2 submitters: Uncertain significance (1); Likely benign (1). Last evaluated 2024-01-27.

Allele frequency attached by ClinVar (database versions not stated): ExAC 0.00002; gnomAD 0.00005.
gnomAD v4.1: 40 of 1,613,482 alleles (0.0025%); highest among the groups gnomAD compares: African/African-American, 0.0093%; no homozygotes.

Submissions (2):

Labcorp Genetics (formerly Invitae), Labcorp
Classification: Uncertain significance. Last evaluated: 2024-01-27. Review status: criteria provided, single submitter. Criteria: Invitae Variant Classification Sherloc (09022015). Collection method: clinical testing. Allele origin: germline.
Comment: This sequence change affects codon 1176 of the FOCAD mRNA. It is a 'silent' change, meaning that it does not change the encoded amino acid sequence of the FOCAD protein. This variant is present in population databases (rs755212646, gnomAD 0.005%). This variant has not been reported in the literature in individuals affected with FOCAD-related conditions. ClinVar contains an entry for this variant (Variation ID: 2659113). In summary, the available evidence is currently insufficient to determine the role of this variant in disease. Therefore, it has been classified as a Variant of Uncertain Significance.

CeGaT Center for Human Genetics Tuebingen
Classification: Likely benign. Last evaluated: 2022-03-01. Review status: criteria provided, single submitter. Criteria: CeGaT Center For Human Genetics Tuebingen Variant Classification Criteria Version 2. Collection method: clinical testing. Allele origin: germline. Affected: yes. Observed: 1 variant allele.
Comment: FOCAD: BP4, BP7

NM_001375567.1(FOCAD):c.3528C>T (p.Ser1176=)

Gene: FOCAD (focadhesin; plus strand). Cytogenetic location: 9p21.3.
Variant type: single nucleotide variant.
Coding change: c.3528C>T on transcript NM_001375567.1 (MANE Select); coding-DNA position 3528, C replaced by T.
Protein change: p.Ser1176=; no amino-acid change (serine 1176 retained).
Molecular consequence: synonymous variant.
Genome position (GRCh38, 1-based): chr9:20,944,747, C>T. VCF-style: chr9-20944747-C-T. GRCh37 (hg19) VCF-style: chr9-20944746-C-T.
Other names: c.3423C>T, p.Ser1141= (NM_001375568.1, NM_001375570.1); c.3528C>T, p.Ser1176= (NM_017794.5).
Identifiers: ClinVar variation 2659113 (VCV002659113.27), dbSNP rs755212646, ClinGen allele CA5007584.